The following is an entry in ClinVar:

NM_018706.7(DHTKD1):c.722T>A (p.Met241Lys)

Gene: DHTKD1 (dehydrogenase E1 and transketolase domain containing 1; plus strand). Cytogenetic location: 10p14.
Variant type: single nucleotide variant.
Coding change: c.722T>A on transcript NM_018706.7 (MANE Select); coding-DNA position 722, T replaced by A.
Protein change: p.Met241Lys; replaces methionine 241 with lysine.
Molecular consequence: missense variant.
Genome position (GRCh38, 1-based): chr10:12,088,990, T>A. VCF-style: chr10-12088990-T-A. GRCh37 (hg19) VCF-style: chr10-12130989-T-A.
Other names: short protein forms M241K.
Identifiers: ClinVar variation 4687014 (VCV004687014.1).
Genomic context (GRCh38, chr10:12,088,990, plus strand): 5'-CCTAGACTCCATTGTGATGAATGCCATTTTTTTCCTTTTGAATGTATCCACAATAGCTGA[T>A]GTTCCGTAAAATGCGAGGCTTAAGTGAATTTCCAGAGAATTTCTCAGCCACTGGAGACGT-3'
Protein context (NP_061176.4, residues 231-251): TGLLQFPPEL[Met241Lys]FRKMRGLSEF

ClinVar aggregate classification (germline): Uncertain significance (1 of 4 stars; one submission).

Submission:

GeneDx
Classification: Uncertain significance. Last evaluated: 2025-07-22. Review status: criteria provided, single submitter. Criteria: GeneDx Variant Classification Process June 2021. Collection method: clinical testing. Allele origin: germline. Affected: yes.
Comment: Not observed at significant frequency in large population cohorts (gnomAD); In silico analysis supports that this missense variant has a deleterious effect on protein structure/function; Has not been previously published as pathogenic or benign to our knowledge